The following is an entry in ClinVar:

NM_021975.4(RELA):c.34+4A>G

Gene: RELA (RELA proto-oncogene, NF-kB subunit; minus strand). Cytogenetic location: 11q13.1.
Variant type: single nucleotide variant.
Coding change: c.34+4A>G on transcript NM_021975.4 (MANE Select); 4 bases into the intron after coding-DNA position 34, A replaced by G.
Molecular consequence: intron variant.
Genome position (GRCh38, 1-based): chr11:65,662,175, T>C on the plus strand (A>G on the coding strand, the complement: RELA is on the minus strand). VCF-style: chr11-65662175-T-C. GRCh37 (hg19) VCF-style: chr11-65429646-T-C.
Other names: c.34+4A>G (NM_001145138.2, NM_001243984.2, NM_001243985.2).
Identifiers: ClinVar variation 2052522 (VCV002052522.4), dbSNP rs1276673194, ClinGen allele CA600228059.

ClinVar aggregate classification (germline): Uncertain significance (1 of 4 stars; one submission).

Allele frequency attached by ClinVar (database versions not stated): gnomAD exomes below 0.00001; gnomAD 0.00001.
gnomAD v4.1: 5 of 1,589,462 alleles (0.00031%); highest among the groups gnomAD compares: East Asian, 0.0022%; no homozygotes.

Submission:

Labcorp Genetics (formerly Invitae), Labcorp
Classification: Uncertain significance. Last evaluated: 2023-11-27. Review status: criteria provided, single submitter. Criteria: Invitae Variant Classification Sherloc (09022015). Collection method: clinical testing. Allele origin: germline.
Comment: This sequence change falls in intron 2 of the RELA gene. It does not directly change the encoded amino acid sequence of the RELA protein. It affects a nucleotide within the consensus splice site. This variant is present in population databases (no rsID available, gnomAD 0.06%). This variant has not been reported in the literature in individuals affected with RELA-related conditions. ClinVar contains an entry for this variant (Variation ID: 2052522). Variants that disrupt the consensus splice site are a relatively common cause of aberrant splicing (PMID: 17576681, 9536098). Algorithms developed to predict the effect of sequence changes on RNA splicing suggest that this variant is not likely to affect RNA splicing. In summary, the available evidence is currently insufficient to determine the role of this variant in disease. Therefore, it has been classified as a Variant of Uncertain Significance.

Literature cited by the submitters: PubMed 17576681; PubMed 9536098.